The following is an entry in ClinVar:

ClinVar aggregate classification (germline): Uncertain significance. Review status: criteria provided, multiple submitters, no conflicts (2 of 4 stars). 10 submissions from 9 submitters: Uncertain significance (9). 1 of the submissions does not count toward it. Last evaluated 2026-09-14.

Conditions:
Pituitary adenoma 5, multiple types. Identifiers: MedGen C4539685, MONDO:0054601, OMIM 617540.
Usher syndrome type 1D (USH1D). Also called: USHER SYNDROME, TYPE ID. Identifiers: Orphanet 231169, Orphanet 886, MedGen C1832845, MONDO:0010984, OMIM 601067.
Autosomal recessive nonsyndromic hearing loss 12. Also called: DEAFNESS, AUTOSOMAL RECESSIVE 12. Identifiers: Orphanet 90636, MedGen C1832394, MONDO:0011067, OMIM 601386.
CDH23-related disorder. Also called: CDH23-related disorders; CDH23-related condition.
Usher syndrome type 1 (USH1). Also called: RETINITIS PIGMENTOSA AND CONGENITAL DEAFNESS. Identifiers: Orphanet 231169, Orphanet 886, MedGen C1568247, MONDO:0010168, OMIM 276900.

Allele frequency attached by ClinVar (database versions not stated): ExAC 0.00030; 1000 Genomes Project 0.00020; 1000 Genomes Project 30x 0.00031; ESP Exome Variant Server 0.00032; gnomAD 0.00026 and 0.00027; gnomAD exomes 0.00031; TOPMed 0.00031.
gnomAD v4.1: 547 of 1,613,708 alleles (0.034%); highest among the groups gnomAD compares: Non-Finnish European, 0.044%; no homozygotes.

Submissions (10):

PreventionGenetics, part of Exact Sciences
Classification: Uncertain significance for CDH23-related condition. Last evaluated: 2026-09-14. Review status: criteria provided, single submitter. Criteria: ACMG Guidelines, 2015. Collection method: clinical testing. Allele origin: germline.
Comment: The CDH23 c.3986G>A variant is predicted to result in the amino acid substitution p.Gly1329Asp. This variant has been reported in an individual with Usher syndrome (Bujakowska et al. 2014. PubMed ID: 25468891); however, a second CDH23 variant was not identified and this individual also had variants in USH1C. This variant was also found in control subject in hearing loss study (Table S4, Vona et al. 2014. PubMed ID: 24875298). This variant is reported in 0.064% of alleles in individuals of European (Non-Finnish) descent in gnomAD v2. However, in gnomAD v4 (available only on GRCh38), this variant is reported in 0.044% of alleles in in individuals of European (Non-Finnish) descent. At this time, the clinical significance of this variant is uncertain due to the absence of conclusive functional and genetic evidence.

GeneDx
Classification: Uncertain significance. Last evaluated: 2025-04-30. Review status: criteria provided, single submitter. Criteria: GeneDx Variant Classification Process June 2021. Collection method: clinical testing. Allele origin: germline. Affected: yes.
Comment: Observed in an individual with Usher syndrome type 1 in published literature who had a different genetic etiology for the phenotype (PMID: 25468891); In silico analysis supports that this missense variant has a deleterious effect on protein structure/function; This variant is associated with the following publications: (PMID: 24875298, 25468891)

Blueprint Genetics
Classification: Uncertain significance. Last evaluated: 2024-10-29. Review status: criteria provided, single submitter. Criteria: ACMG Guidelines, 2015. Collection method: clinical testing. Allele origin: germline.

Labcorp Genetics (formerly Invitae), Labcorp
Classification: Uncertain significance. Last evaluated: 2022-10-25. Review status: criteria provided, single submitter. Criteria: Invitae Variant Classification Sherloc (09022015). Collection method: clinical testing. Allele origin: germline.
Comment: This sequence change replaces glycine, which is neutral and non-polar, with aspartic acid, which is acidic and polar, at codon 1329 of the CDH23 protein (p.Gly1329Asp). This variant is present in population databases (rs201877610, gnomAD 0.06%). This variant has not been reported in the literature in individuals affected with CDH23-related conditions. ClinVar contains an entry for this variant (Variation ID: 45934). Advanced modeling of protein sequence and biophysical properties (such as structural, functional, and spatial information, amino acid conservation, physicochemical variation, residue mobility, and thermodynamic stability) has been performed at Invitae for this missense variant, however the output from this modeling did not meet the statistical confidence thresholds required to predict the impact of this variant on CDH23 protein function. In summary, the available evidence is currently insufficient to determine the role of this variant in disease. Therefore, it has been classified as a Variant of Uncertain Significance.

Fulgent Genetics
Classification: Uncertain significance for Usher syndrome type 1D; Autosomal recessive nonsyndromic hearing loss 12; Pituitary adenoma 5, multiple types. Last evaluated: 2018-10-31. Review status: criteria provided, single submitter. Criteria: ACMG Guidelines, 2015. Collection method: clinical testing. Allele origin: unknown.

Illumina Laboratory Services, Illumina
Classification: Uncertain significance for Usher syndrome type 1D. Last evaluated: 2017-04-27. Review status: criteria provided, single submitter. Criteria: ICSL Variant Classification Criteria 13 December 2019. Collection method: clinical testing. Allele origin: germline.
Comment: This variant was observed as part of a predisposition screen in an ostensibly healthy population. A literature search was performed for the gene, cDNA change, and amino acid change (where applicable). Publications were found based on this search. However, the evidence from the literature, in combination with allele frequency data from public databases where available, was not sufficient to rule this variant in or out of causing disease. Therefore, this variant is classified as a variant of unknown significance.

Illumina Laboratory Services, Illumina
Classification: Uncertain significance for Autosomal recessive nonsyndromic hearing loss 12. Last evaluated: 2017-04-27. Review status: criteria provided, single submitter. Criteria: ICSL Variant Classification Criteria 13 December 2019. Collection method: clinical testing. Allele origin: germline.

Eurofins Ntd Llc (ga)
Classification: Uncertain significance. Last evaluated: 2016-11-10. Review status: criteria provided, single submitter. Criteria: EGL Classification Definitions 2015. Collection method: clinical testing. Allele origin: germline. Observed: 1 variant allele, 1 heterozygote.

Laboratory for Molecular Medicine, Mass General Brigham Personalized Medicine
Classification: Uncertain significance. Last evaluated: 2016-06-02. Review status: criteria provided, single submitter. Criteria: LMM Criteria. Collection method: clinical testing. Allele origin: germline. Observed: 2 variant alleles.
Comment: However, neither individual had a second variant affecting the remaining copy of CDH23 and the individual reported by Bu jakowska (2014) had an alternate explanation of the hearing loss identified. Thi s variant was also identified in 35/63866 European chromosomes by the Exome Aggr egation Consortium (ExAC; dbSNP rs201877610). Al though this variant has been seen in the general population, its frequency is no t high enough to rule out a pathogenic role. Computational prediction tools and conservation analyses suggest that this variant may impact the protein, though t his information is not predictive enough to determine pathogenicity. In summar y, the clinical significance of the p.Gly1329Asp variant is uncertain.

Natera, Inc.
Classification: Uncertain significance for Usher syndrome type 1. Last evaluated: 2020-02-14. Review status: no assertion criteria provided. Collection method: clinical testing. Allele origin: germline. Not counted in ClinVar's aggregate classification.

Literature cited by the submitters: PubMed 25468891 (cited by Illumina Laboratory Services, Illumina and Laboratory for Molecular Medicine, Mass General Brigham Personalized Medicine); PubMed 24875298 (cited by Laboratory for Molecular Medicine, Mass General Brigham Personalized Medicine).

NM_022124.6(CDH23):c.3986G>A (p.Gly1329Asp)

Genes: C10orf105 (chromosome 10 open reading frame 105; minus strand), CDH23 (cadherin related 23; plus strand). Cytogenetic location: 10q22.1.
Variant type: single nucleotide variant.
Coding change: c.3986G>A on transcript NM_022124.6 (MANE Select); coding-DNA position 3986, G replaced by A.
Protein change: p.Gly1329Asp; replaces glycine 1329 with aspartic acid.
Molecular consequence: missense variant. On other transcripts: intron variant (1).
Genome position (GRCh38, 1-based): chr10:71,732,257, G>A. VCF-style: chr10-71732257-G-A. GRCh37 (hg19) VCF-style: chr10-73492014-G-A.
Other names: c.3986G>A, p.Gly1329Asp (NM_001171930.2); c.-6+5471C>T (NM_001168390.2); short protein forms G1329D.
Identifiers: ClinVar variation 45934 (VCV000045934.24), dbSNP rs201877610, ClinGen allele CA137405.